The following is an entry in ClinVar:

ClinVar aggregate classification (germline): Uncertain significance (1 of 4 stars; one submission).

Allele frequency attached by ClinVar (database versions not stated): gnomAD exomes below 0.00001 and 0.00001; gnomAD 0.00001; TOPMed 0.00001.
gnomAD v4.1: 9 of 1,614,040 alleles (0.00056%); highest among the groups gnomAD compares: East Asian, 0.0022%; no homozygotes.

Submission:

Women's Health and Genetics/Laboratory Corporation of America, LabCorp
Classification: Uncertain significance. Last evaluated: 2025-07-17. Review status: criteria provided, single submitter. Criteria: LabCorp Variant Classification Summary - May 2015. Collection method: clinical testing. Allele origin: germline.
Comment: Variant summary: EIF2B3 c.935G>A (p.Arg312Gln) results in a conservative amino acid change in the encoded protein sequence. Algorithms developed to predict the effect of missense changes on protein structure and function are either unavailable or do not agree on the potential impact of this missense change. The variant allele was found at a frequency of 4e-06 in 251488 control chromosomes. The available data on variant occurrences in the general population are insufficient to allow any conclusion about variant significance. c.935G>A has been observed in the presumed compound heterozygous state in at least 1 individual(s) affected with Leukoencephalopathy With Vanishing White Matter (example, Zhang_2015, Deng_2021). These data do not allow any conclusion about variant significance. At least one publication reports experimental evidence evaluating an impact on protein function, however, does not allow convincing conclusions about the variant effect (Lee_2021). The following publications have been ascertained in the context of this evaluation (PMID: 25761052, 34745209, 33517449, 26901872). ClinVar contains an entry for this variant (Variation ID: 1321436). Based on the evidence outlined above, the variant was classified as uncertain significance.

Literature cited by the submitters: PubMed 25761052; PubMed 26901872; PubMed 34745209; PubMed 33517449.

NM_020365.5(EIF2B3):c.935G>A (p.Arg312Gln)

Gene: EIF2B3 (eukaryotic translation initiation factor 2B subunit gamma; minus strand). Cytogenetic location: 1p34.1.
Variant type: single nucleotide variant.
Coding change: c.935G>A on transcript NM_020365.5 (MANE Select); coding-DNA position 935, G replaced by A.
Protein change: p.Arg312Gln; replaces arginine 312 with glutamine.
Molecular consequence: missense variant.
Genome position (GRCh38, 1-based): chr1:44,879,858, C>T on the plus strand (G>A on the coding strand, the complement: EIF2B3 is on the minus strand). VCF-style: chr1-44879858-C-T. GRCh37 (hg19) VCF-style: chr1-45345530-C-T.
Other names: c.935G>A, p.Arg312Gln (NM_001166588.3, NM_001261418.2); short protein forms R312Q.
Identifiers: ClinVar variation 1321436 (VCV001321436.2), dbSNP rs776505832, ClinGen allele CA21789293.
Genomic context (GRCh38, chr1:44,879,858, plus strand): 5'-TTTCTAACTCATGCTCTCACCTGTCTGTTTGCTTCCATGTAGAGTCCCAGTGTGCTCACT[C>T]GAGAGCAGAGCCCCTCTTTCATGATGTGGACATAGCAGCGCACCTGTGATCTGGACAAGT-3'
Protein context (NP_065098.1, residues 302-322): VHIMKEGLCS[Arg312Gln]VSTLGLYMEA